The following is an entry in ClinVar:

NM_006567.5(FARS2):c.586G>T (p.Ala196Ser)

Genes: FARS2 (phenylalanyl-tRNA synthetase 2, mitochondrial; plus strand), LOC126859565 (CDK7 strongly-dependent group 2 enhancer GRCh37_chr6:5368745-5369944; plus strand). Cytogenetic location: 6p25.1.
Variant type: single nucleotide variant.
Coding change: c.586G>T on transcript NM_006567.5 (MANE Select); coding-DNA position 586, G replaced by T.
Protein change: p.Ala196Ser; replaces alanine 196 with serine.
Molecular consequence: missense variant. On other transcripts: intron variant (2).
Genome position (GRCh38, 1-based): chr6:5,369,156, G>T. VCF-style: chr6-5369156-G-T. GRCh37 (hg19) VCF-style: chr6-5369389-G-T.
Other names: c.586G>T, p.Ala196Ser (NM_001318872.2, NM_001374875.1, NM_001374876.1 and 5 more transcripts); c.-340-27477G>T (NM_001375260.1); c.-84-35386G>T (NM_001375259.1); short protein forms A196S.
Identifiers: ClinVar variation 1019925 (VCV001019925.9), dbSNP rs150490093, ClinGen allele CA3623679.
Genomic context (GRCh38, chr6:5,369,156, plus strand): 5'-GATGTCTACAGGCGTGACCAGATCGACTCCCAGCACTACCCTATTTTCCACCAGCTGGAG[G>T]CCGTGCGGCTCTTCTCCAAGCATGAGGTGAGTCTTGAGATGTTTCTCATCGCTGAAGGAT-3'
Protein context (NP_006558.1, residues 186-206): QHYPIFHQLE[Ala196Ser]VRLFSKHELF

ClinVar aggregate classification (germline): Uncertain significance (1 of 4 stars; one submission).

Conditions:
Combined oxidative phosphorylation defect type 14. Also called: Combined oxidative phosphorylation deficiency 14. Identifiers: Orphanet 319519, MedGen C4755312, MONDO:0013986, OMIM 614946.

Allele frequency attached by ClinVar (database versions not stated): ExAC 0.00001; gnomAD exomes 0.00001; TOPMed 0.00001; ESP Exome Variant Server 0.00008.
gnomAD v4.1: 20 of 1,609,232 alleles (0.0012%); highest among the groups gnomAD compares: Non-Finnish European, 0.0015%; no homozygotes.

Submission:

Labcorp Genetics (formerly Invitae), Labcorp
Classification: Uncertain significance for Combined oxidative phosphorylation defect type 14. Last evaluated: 2025-02-03. Review status: criteria provided, single submitter. Criteria: Invitae Variant Classification Sherloc (09022015). Collection method: clinical testing. Allele origin: germline.
Comment: This sequence change replaces alanine, which is neutral and non-polar, with serine, which is neutral and polar, at codon 196 of the FARS2 protein (p.Ala196Ser). This variant is present in population databases (rs150490093, gnomAD 0.007%). This variant has not been reported in the literature in individuals affected with FARS2-related conditions. ClinVar contains an entry for this variant (Variation ID: 1019925). Invitae Evidence Modeling of protein sequence and biophysical properties (such as structural, functional, and spatial information, amino acid conservation, physicochemical variation, residue mobility, and thermodynamic stability) indicates that this missense variant is not expected to disrupt FARS2 protein function with a negative predictive value of 80%. In summary, the available evidence is currently insufficient to determine the role of this variant in disease. Therefore, it has been classified as a Variant of Uncertain Significance.